The following is an entry in ClinVar:

ClinVar aggregate classification (germline): Uncertain significance (1 of 4 stars; one submission).

Submission:

GeneDx
Classification: Uncertain significance. Last evaluated: 2024-12-26. Review status: criteria provided, single submitter. Criteria: GeneDx Variant Classification Process June 2021. Collection method: clinical testing. Allele origin: germline. Affected: yes.
Comment: Not observed at significant frequency in large population cohorts (gnomAD); In silico analysis indicates that this missense variant does not alter protein structure/function; Has not been previously published as pathogenic or benign to our knowledge

NM_032590.5(KDM2B):c.2609G>C (p.Arg870Pro)

Gene: KDM2B (lysine demethylase 2B; minus strand). Cytogenetic location: 12q24.31.
Variant type: single nucleotide variant.
Coding change: c.2609G>C on transcript NM_032590.5 (MANE Select); coding-DNA position 2609, G replaced by C.
Protein change: p.Arg870Pro; replaces arginine 870 with proline.
Molecular consequence: missense variant.
Genome position (GRCh38, 1-based): chr12:121,442,832, C>G on the plus strand (G>C on the coding strand, the complement: KDM2B is on the minus strand). VCF-style: chr12-121442832-C-G. GRCh37 (hg19) VCF-style: chr12-121880635-C-G.
Other names: c.2402G>C, p.Arg801Pro (NM_001005366.2); short protein forms R801P, R870P.
Identifiers: ClinVar variation 3908012 (VCV003908012.1).